The following is an entry in ClinVar:

ClinVar aggregate classification (germline): Uncertain significance (1 of 4 stars; one submission).

Conditions:
Rhabdoid tumor predisposition syndrome 2 (RTPS2). Identifiers: Orphanet 231108, Orphanet 69077, MedGen C2750074, MONDO:0013224, OMIM 613325.

Submission:

Labcorp Genetics (formerly Invitae), Labcorp
Classification: Uncertain significance for Rhabdoid tumor predisposition syndrome 2. Last evaluated: 2021-11-29. Review status: criteria provided, single submitter. Criteria: Invitae Variant Classification Sherloc (09022015). Collection method: clinical testing. Allele origin: germline.
Comment: Algorithms developed to predict the effect of missense changes on protein structure and function (SIFT, PolyPhen-2, Align-GVGD) all suggest that this variant is likely to be disruptive. In summary, the available evidence is currently insufficient to determine the role of this variant in disease. Therefore, it has been classified as a Variant of Uncertain Significance. This variant has not been reported in the literature in individuals affected with SMARCA4-related conditions. This variant is not present in population databases (gnomAD no frequency). This sequence change replaces alanine, which is neutral and non-polar, with valine, which is neutral and non-polar, at codon 1568 of the SMARCA4 protein (p.Ala1568Val).

NM_003072.5(SMARCA4):c.4607C>T (p.Ala1536Val)

Gene: SMARCA4 (SWI/SNF related BAF chromatin remodeling complex subunit ATPase 4; plus strand). Cytogenetic location: 19p13.2.
Variant type: single nucleotide variant.
Coding change: c.4607C>T on transcript NM_003072.5 (MANE Select); coding-DNA position 4607, C replaced by T.
Protein change: p.Ala1536Val; replaces alanine 1536 with valine.
Molecular consequence: missense variant. On other transcripts: non-coding transcript variant (1).
Genome position (GRCh38, 1-based): chr19:11,058,861, C>T. VCF-style: chr19-11058861-C-T. GRCh37 (hg19) VCF-style: chr19-11169537-C-T.
Other names: c.4607C>T, p.Ala1536Val (NM_001128844.3); c.4517C>T, p.Ala1506Val (NM_001128845.2); c.4514C>T, p.Ala1505Val (NM_001128846.2); c.4508C>T, p.Ala1503Val (NM_001128847.4, NM_001374457.1); c.4505C>T, p.Ala1502Val (NM_001128848.2); c.4703C>T, p.Ala1568Val (NM_001128849.3, NM_001387283.1); c.4604C>T, p.Ala1535Val (NM_001411150.1); short protein forms A1506V, A1536V, A1568V, A1502V, A1535V, A1503V, A1505V.
Identifiers: ClinVar variation 2016236 (VCV002016236.4), dbSNP rs2147098619, ClinGen allele CA404079006.